The following is an entry in ClinVar:

NM_001164508.2(NEB):c.4538_4539delinsGGGT (p.Lys1513fs)

Gene: NEB (nebulin; minus strand). Cytogenetic location: 2q23.3.
Variant type: Indel.
Coding change: c.4538_4539delinsGGGT on transcript NM_001164508.2 (MANE Select); coding-DNA positions 4538 to 4539, AG replaced by GGGT.
Protein change: p.Lys1513fs; shifts the reading frame from lysine 1513.
Molecular consequence: frameshift variant.
Genome position (GRCh38, 1-based): chr2:151,669,099-151,669,100, CT replaced by ACCC on the plus strand (AG replaced by GGGT on the coding strand, the reverse complement: NEB is on the minus strand). VCF-style: chr2-151669099-CT-ACCC. GRCh37 (hg19) VCF-style: chr2-152525613-CT-ACCC.
Other names: c.4538_4539delinsGGGT, p.Lys1513fs (NM_001164507.2, NM_001271208.2, NM_004543.5); short protein forms K1513fs.
Identifiers: ClinVar variation 1724130 (VCV001724130.2), dbSNP rs2552259339, ClinGen allele CA2580064030.

ClinVar aggregate classification (germline): Likely pathogenic (1 of 4 stars; one submission).

Conditions:
Nemaline myopathy 2 (NEM2). Also called: Nemaline myopathy 2, autosomal recessive. Identifiers: MedGen C1850569, MONDO:0009725, OMIM 256030.

Submission:

Myriad Genetics, Inc.
Classification: Likely pathogenic for Nemaline myopathy 2. Last evaluated: 2022-01-26. Review status: criteria provided, single submitter. Criteria: Myriad Women's Health Autosomal Recessive and X-Linked Classification Criteria (2021). Collection method: clinical testing. Allele origin: unknown.
Comment: NM_001271208.1(NEB):c.4538_4539delAGinsGGGT(K1513Rfs*24) is expected to be pathogenic in the context of NEB-related nemaline myopathy. This variant is predicted to lead to an abnormal or absent protein product due to the creation of a premature termination codon in NEB, a gene where loss-of-function variants are known to be pathogenic. Please note: this variant was assessed in the context of healthy population screening.